The following is an entry in ClinVar:

NM_000059.4(BRCA2):c.4359A>G (p.Lys1453=)

Gene: BRCA2 (BRCA2 DNA repair associated; plus strand). Cytogenetic location: 13q13.1.
Variant type: single nucleotide variant.
Coding change: c.4359A>G on transcript NM_000059.4 (MANE Select); coding-DNA position 4359, A replaced by G.
Protein change: p.Lys1453=; no amino-acid change (lysine 1453 retained).
Molecular consequence: synonymous variant.
Genome position (GRCh38, 1-based): chr13:32,338,714, A>G. VCF-style: chr13-32338714-A-G. GRCh37 (hg19) VCF-style: chr13-32912851-A-G.
Identifiers: ClinVar variation 229973 (VCV000229973.24), dbSNP rs774446640, ClinGen allele CA6940773.
Genomic context (GRCh38, chr13:32,338,714, plus strand): 5'-GAAAAATATTAGTGTCGCCAAAGAGTCATTTAATAAAATTGTAAATTTCTTTGATCAGAA[A>G]CCAGAAGAATTGCATAACTTTTCCTTAAATTCTGAATTACATTCTGACATAAGAAAGAAC-3'
Protein context (NP_000050.3, residues 1443-1463): FNKIVNFFDQ[Lys1453=]PEELHNFSLN

ClinVar aggregate classification (germline): Likely benign. Review status: reviewed by expert panel (3 of 4 stars). 8 submissions from 8 submitters: Likely benign (1). 7 of the submissions do not count toward it. Last evaluated 2017-06-29.

Conditions:
Hereditary cancer-predisposing syndrome. Also called: Neoplastic Syndromes, Hereditary; Hereditary Cancer Syndrome; Tumor predisposition; Hereditary neoplastic syndrome. Identifiers: Orphanet 140162, MedGen C0027672, MeSH D009386, MONDO:0015356.
Breast-ovarian cancer, familial, susceptibility to, 2 (BROVCA2). Also called: BRCA2 Hereditary Breast and Ovarian Cancer. Identifiers: Orphanet 145, MedGen C2675520, MONDO:0012933, OMIM 612555. Disease mechanism: loss of function.
Familial cancer of breast. Also called: hereditary breast carcinoma; Hereditary breast cancer; BREAST CANCER, FAMILIAL. Identifiers: Orphanet 227535, MedGen C0346153, MONDO:0016419, OMIM 114480. Disease mechanism: loss of function.
Hereditary breast ovarian cancer syndrome. Also called: Breast and ovarian cancer; BRCA1- and BRCA2-Associated Hereditary Breast and Ovarian Cancer; Hereditary breast and ovarian cancer syndrome; Hereditary breast and ovarian cancer syndrome (HBOC); Hereditary breast and/or ovarian cancer syndrome; Hereditary breast and ovarian cancer. Identifiers: Orphanet 145, MedGen C0677776, MeSH D061325, MONDO:0003582. Disease mechanism: loss of function.

Allele frequency attached by ClinVar (database versions not stated): gnomAD exomes below 0.00001; ExAC 0.00001.

Submissions (8):

Evidence-based Network for the Interpretation of Germline Mutant Alleles (ENIGMA)
Classification: Likely benign for Breast-ovarian cancer, familial, susceptibility to, 2. Last evaluated: 2017-06-29. Review status: reviewed by expert panel. Criteria: ENIGMA BRCA1/2 Classification Criteria (2017-06-29). Collection method: curation. Allele origin: germline.
Comment: Synonymous substitution variant, with low bioinformatic likelihood to result in a splicing aberration (Splicing prior probability 0.02).

Labcorp Genetics (formerly Invitae), Labcorp
Classification: Likely benign for Hereditary breast ovarian cancer syndrome. Last evaluated: 2025-07-30. Review status: criteria provided, single submitter. Criteria: Invitae Variant Classification Sherloc (09022015). Collection method: clinical testing. Allele origin: germline. Not counted in ClinVar's aggregate classification.

All of Us Research Program, National Institutes of Health
Classification: Likely benign for Breast-ovarian cancer, familial, susceptibility to, 2. Last evaluated: 2023-10-06. Review status: criteria provided, single submitter. Criteria: ACMG Guidelines, 2015. Collection method: clinical testing. Allele origin: germline. Inheritance: Autosomal dominant inheritance. Observed: 4 variant alleles, 4 heterozygotes. Not counted in ClinVar's aggregate classification.
Comment: This study involves interpretation of variants in research participants for the purpose of population health screening. Participant phenotype was not available at the time of variant classification. Additional details can be found in publication PMID: 35346344, PMCID: PMC8962531

Blueprint Genetics
Classification: Likely benign. Last evaluated: 2023-03-30. Review status: criteria provided, single submitter. Criteria: ACMG Guidelines, 2015. Collection method: clinical testing. Allele origin: germline. Not counted in ClinVar's aggregate classification.

Department of Pathology and Laboratory Medicine, Sinai Health System
Classification: Likely benign for Familial cancer of breast; Breast-ovarian cancer, familial, susceptibility to, 2. Last evaluated: 2019-10-08. Review status: criteria provided, single submitter. Criteria: ACMG Guidelines, 2015. Collection method: clinical testing. Allele origin: germline. Affected: yes. Not counted in ClinVar's aggregate classification.

Quest Diagnostics Nichols Institute San Juan Capistrano
Classification: Benign. Last evaluated: 2019-06-02. Review status: criteria provided, single submitter. Criteria: Quest Diagnostics criteria. Collection method: clinical testing. Allele origin: germline. Not counted in ClinVar's aggregate classification.

Color Diagnostics, LLC DBA Color Health
Classification: Likely benign for Hereditary cancer-predisposing syndrome. Last evaluated: 2018-07-09. Review status: criteria provided, single submitter. Criteria: ACMG Guidelines, 2015. Collection method: clinical testing. Allele origin: germline. Not counted in ClinVar's aggregate classification.

Ambry Genetics
Classification: Likely benign for Hereditary cancer-predisposing syndrome. Last evaluated: 2015-01-06. Review status: criteria provided, single submitter. Criteria: Ambry Variant Classification Scheme 2023. Collection method: clinical testing. Allele origin: germline. Not counted in ClinVar's aggregate classification.

Literature cited by the submitters: PubMed 20104584 (cited by Department of Pathology and Laboratory Medicine, Sinai Health System and Quest Diagnostics Nichols Institute San Juan Capistrano).